The following is an entry in ClinVar:

NM_001353921.2(ARHGEF9):c.216G>A (p.Trp72Ter)

Gene: ARHGEF9 (Cdc42 guanine nucleotide exchange factor 9; minus strand). Cytogenetic location: Xq11.1.
Variant type: single nucleotide variant.
Coding change: c.216G>A on transcript NM_001353921.2 (MANE Select); coding-DNA position 216, G replaced by A.
Protein change: p.Trp72Ter; replaces tryptophan 72 with a stop codon.
Molecular consequence: nonsense. On other transcripts: 5 prime UTR variant (3).
Genome position (GRCh38, 1-based): chrX:63,706,444, C>T on the plus strand (G>A on the coding strand, the complement: ARHGEF9 is on the minus strand). VCF-style: chrX-63706444-C-T. GRCh37 (hg19) VCF-style: chrX-62926324-C-T.
Other names: c.36G>A, p.Trp12Ter (NM_001173479.2); c.-112G>A (NM_001173480.2, NM_001369042.1); c.132G>A, p.Trp44Ter (NM_001330495.2, NM_001353927.2, NM_001369033.1 and 8 more transcripts); c.216G>A, p.Trp72Ter (NM_001353922.2); c.234G>A, p.Trp78Ter (NM_001353923.1); c.15G>A, p.Trp5Ter (NM_001353924.2, NM_001353926.2, NM_001369039.1 and 1 more transcripts); c.195G>A, p.Trp65Ter (NM_001353928.2, NM_001369030.1, NM_001369031.1 and 2 more transcripts); c.-488G>A (NM_001369045.1); short protein forms W65*, W72*, W44*, W5*, W78*, W12*.
Identifiers: ClinVar variation 2856404 (VCV002856404.3), dbSNP rs2519905021, ClinGen allele CA413402547.

ClinVar aggregate classification (germline): Pathogenic (1 of 4 stars; one submission).

Conditions:
Developmental and epileptic encephalopathy, 8 (DEE8). Also called: HYPEREKPLEXIA AND EPILEPSY. Identifiers: Orphanet 163985, Orphanet 2076, MedGen C1845102, MONDO:0010375, OMIM 300607.

Submission:

Labcorp Genetics (formerly Invitae), Labcorp
Classification: Pathogenic for Developmental and epileptic encephalopathy, 8. Last evaluated: 2023-04-15. Review status: criteria provided, single submitter. Criteria: Invitae Variant Classification Sherloc (09022015). Collection method: clinical testing. Allele origin: germline.
Comment: For these reasons, this variant has been classified as Pathogenic. This variant has not been reported in the literature in individuals affected with ARHGEF9-related conditions. This variant is not present in population databases (gnomAD no frequency). This sequence change creates a premature translational stop signal (p.Trp65*) in the ARHGEF9 gene. It is expected to result in an absent or disrupted protein product. Loss-of-function variants in ARHGEF9 are known to be pathogenic (PMID: 25678704, 26834553, 28589176).

Literature cited by the submitters: PubMed 25678704; PubMed 26834553; PubMed 28589176.